The following is an entry in ClinVar:

ClinVar aggregate classification (germline): Pathogenic (1 of 4 stars; one submission).

Submission:

Quest Diagnostics Nichols Institute San Juan Capistrano
Classification: Pathogenic. Last evaluated: 2024-06-13. Review status: criteria provided, single submitter. Criteria: ACMG/ClinGen CNV Guidelines, 2019. Collection method: clinical testing. Allele origin: unknown.
Comment: This recurrent 22q11.2 deletion, extending from low copy number repeats (LCRs) A to D, is consistent with the 22q11.2 microdeletion syndrome (ISCA-37446; McDonald-McGinn 2024). This syndrome has been referred to as velocardiofacial syndrome (OMIM 192430), and also historically as DiGeorge syndrome (OMIM 188400). Haploinsufficiency of the TBX1 gene in particular is proposed to be responsible for many of the clinical features. Thus, this copy number variant (CNV) is classified as pathogenic. References: McDonald-McGinn et al., GeneReviews. [2024 May 9]. PMID: 20301696

GRCh37/hg19 22q11.21(chr22:18916843-21465659)x1

Genes: AIFM3 (AIF family member 3; plus strand), ARVCF (ARVCF delta catenin family member; minus strand), C22orf39 (chromosome 22 open reading frame 39; minus strand), CDC45 (cell division cycle 45; plus strand), CLDN5 (claudin 5; minus strand) and 41 more. Cytogenetic location: 22q11.21.
Variant type: copy number loss.
Change: copy number 1 (one copy instead of two) of chr22:18,916,843-21,465,659 (2.55 Mb, GRCh37 coordinates, 1-based), cytogenetic band 22q11.21.
Identifiers: ClinVar variation 1808741 (VCV001808741.1).